The following is an entry in ClinVar:

NM_004535.3(MYT1):c.1071C>A (p.His357Gln)

Gene: MYT1 (myelin transcription factor 1; plus strand). Cytogenetic location: 20q13.33.
Variant type: single nucleotide variant.
Coding change: c.1071C>A on transcript NM_004535.3 (MANE Select); coding-DNA position 1071, C replaced by A.
Protein change: p.His357Gln; replaces histidine 357 with glutamine.
Molecular consequence: missense variant.
Genome position (GRCh38, 1-based): chr20:64,208,267, C>A. VCF-style: chr20-64208267-C-A. GRCh37 (hg19) VCF-style: chr20-62839620-C-A.
Other names: short protein forms H357Q.
Identifiers: ClinVar variation 769115 (VCV000769115.7), dbSNP rs77452040, ClinGen allele CA9974761.

ClinVar aggregate classification (germline): Benign. Review status: criteria provided, multiple submitters, no conflicts (2 of 4 stars). 3 submissions from 3 submitters: Benign (2). 1 of the submissions does not count toward it. Last evaluated 2019-12-31.

Conditions:
MYT1-related disorder. Also called: MYT1-related condition.

Allele frequency attached by ClinVar (database versions not stated): 1000 Genomes Project 0.01138; 1000 Genomes Project 30x 0.01156; ESP Exome Variant Server 0.01215; gnomAD 0.01223; TOPMed 0.01250.
gnomAD v4.1: 3,471 of 1,614,204 alleles (0.22%); highest among the groups gnomAD compares: African/African-American, 4.1%; 79 homozygotes.

Submissions (3):

Labcorp Genetics (formerly Invitae), Labcorp
Classification: Benign. Last evaluated: 2019-12-31. Review status: criteria provided, single submitter. Criteria: Invitae Variant Classification Sherloc (09022015). Collection method: clinical testing. Allele origin: germline.

Breakthrough Genomics
Classification: Benign. Review status: criteria provided, single submitter. Criteria: ACMG Guidelines, 2015. Collection method: not provided. Allele origin: germline. Inheritance: Unknown mechanism. Affected: yes.

PreventionGenetics, part of Exact Sciences
Classification: Benign for MYT1-related condition. Last evaluated: 2019-03-01. Review status: no assertion criteria provided. Collection method: clinical testing. Allele origin: germline. Not counted in ClinVar's aggregate classification.
Comment: This variant is classified as benign based on ACMG/AMP sequence variant interpretation guidelines (Richards et al. 2015 PMID: 25741868, with internal and published modifications).